The following is an entry in ClinVar:

NM_001170535.3(ATAD3A):c.722T>C (p.Val241Ala)

Gene: ATAD3A (ATPase family AAA domain containing 3A; plus strand). Cytogenetic location: 1p36.33.
Variant type: single nucleotide variant.
Coding change: c.722T>C on transcript NM_001170535.3 (MANE Select); coding-DNA position 722, T replaced by C.
Protein change: p.Val241Ala; replaces valine 241 with alanine.
Molecular consequence: missense variant.
Genome position (GRCh38, 1-based): chr1:1,520,589, T>C. VCF-style: chr1-1520589-T-C. GRCh37 (hg19) VCF-style: chr1-1455969-T-C.
Other names: c.485T>C, p.Val162Ala (NM_001170536.3); c.866T>C, p.Val289Ala (NM_018188.5); short protein forms V162A, V241A, V289A.
Identifiers: ClinVar variation 2500556 (VCV002500556.1), dbSNP rs2524159434, ClinGen allele CA337854524.

ClinVar aggregate classification (germline): Uncertain significance (1 of 4 stars; one submission).

Submission:

GeneDx
Classification: Uncertain significance. Last evaluated: 2022-10-31. Review status: criteria provided, single submitter. Criteria: GeneDx Variant Classification Process June 2021. Collection method: clinical testing. Allele origin: germline. Affected: yes.
Comment: Not observed at significant frequency in large population cohorts (gnomAD); In silico analysis supports that this missense variant has a deleterious effect on protein structure/function; Has not been previously published as pathogenic or benign to our knowledge